The following is an entry in ClinVar:

ClinVar aggregate classification (germline): Pathogenic (1 of 4 stars; one submission).

Allele frequency attached by ClinVar (database versions not stated): gnomAD exomes below 0.00001.
gnomAD v4.1: 1 of 1,614,198 alleles (0.000062%); highest among the groups gnomAD compares: African/African-American, 0.0013%; no homozygotes.

Submission:

Labcorp Genetics (formerly Invitae), Labcorp
Classification: Pathogenic. Last evaluated: 2023-07-21. Review status: criteria provided, single submitter. Criteria: Invitae Variant Classification Sherloc (09022015). Collection method: clinical testing. Allele origin: germline.
Comment: For these reasons, this variant has been classified as Pathogenic. Algorithms developed to predict the effect of sequence changes on RNA splicing suggest that this variant may disrupt the consensus splice site. ClinVar contains an entry for this variant (Variation ID: 2024847). This variant has not been reported in the literature in individuals affected with CD40-related conditions. This variant is not present in population databases (gnomAD no frequency). This sequence change creates a premature translational stop signal (p.Glu53*) in the CD40 gene. It is expected to result in an absent or disrupted protein product. Loss-of-function variants in CD40 are known to be pathogenic (PMID: 20702779, 24122029, 35729272).

Literature cited by the submitters: PubMed 20702779; PubMed 24122029; PubMed 35729272.

NM_001250.6(CD40):c.157G>T (p.Glu53Ter)

Gene: CD40 (CD40 molecule; plus strand). Cytogenetic location: 20q13.12.
Variant type: single nucleotide variant.
Coding change: c.157G>T on transcript NM_001250.6 (MANE Select); coding-DNA position 157, G replaced by T.
Protein change: p.Glu53Ter; replaces glutamic acid 53 with a stop codon.
Molecular consequence: nonsense. On other transcripts: non-coding transcript variant (2).
Genome position (GRCh38, 1-based): chr20:46,122,259, G>T. VCF-style: chr20-46122259-G-T. GRCh37 (hg19) VCF-style: chr20-44750898-G-T.
Other names: c.157G>T, p.Glu53Ter (NM_001302753.2, NM_001322421.2, NM_001322422.2 and 2 more transcripts); short protein forms E53*.
Identifiers: ClinVar variation 2024847 (VCV002024847.4), dbSNP rs2515708304, ClinGen allele CA409203443.